The following is an entry in ClinVar:

NM_001197104.2(KMT2A):c.173C>T (p.Pro58Leu)

Gene: KMT2A (lysine methyltransferase 2A; plus strand). Cytogenetic location: 11q23.3.
Variant type: single nucleotide variant.
Coding change: c.173C>T on transcript NM_001197104.2 (MANE Select); coding-DNA position 173, C replaced by T.
Protein change: p.Pro58Leu; replaces proline 58 with leucine.
Molecular consequence: missense variant.
Genome position (GRCh38, 1-based): chr11:118,436,685, C>T. VCF-style: chr11-118436685-C-T. GRCh37 (hg19) VCF-style: chr11-118307400-C-T.
Other names: c.173C>T, p.Pro58Leu (NM_001412597.1, NM_005933.4); short protein forms P58L.
Identifiers: ClinVar variation 2872669 (VCV002872669.4), dbSNP rs1266857910, ClinGen allele CA382797405.

ClinVar aggregate classification (germline): Uncertain significance. Review status: criteria provided, multiple submitters, no conflicts (2 of 4 stars). 2 submissions from 2 submitters: Uncertain significance (2). Last evaluated 2024-09-01.

Conditions:
Inborn genetic diseases. Identifiers: MedGen C0950123, MeSH D030342.

Allele frequency attached by ClinVar (database versions not stated): gnomAD 0.00001; 1000 Genomes Project 30x 0.00016.
gnomAD v4.1: 7 of 1,283,634 alleles (0.00055%); highest among the groups gnomAD compares: African/African-American, 0.0061%; no homozygotes.

Submissions (2):

Labcorp Genetics (formerly Invitae), Labcorp
Classification: Uncertain significance. Last evaluated: 2024-09-01. Review status: criteria provided, single submitter. Criteria: Invitae Variant Classification Sherloc (09022015). Collection method: clinical testing. Allele origin: germline.
Comment: This sequence change replaces proline, which is neutral and non-polar, with leucine, which is neutral and non-polar, at codon 58 of the KMT2A protein (p.Pro58Leu). This variant is not present in population databases (gnomAD no frequency). This variant has not been reported in the literature in individuals affected with KMT2A-related conditions. Invitae Evidence Modeling of protein sequence and biophysical properties (such as structural, functional, and spatial information, amino acid conservation, physicochemical variation, residue mobility, and thermodynamic stability) indicates that this missense variant is not expected to disrupt KMT2A protein function with a negative predictive value of 95%. In summary, the available evidence is currently insufficient to determine the role of this variant in disease. Therefore, it has been classified as a Variant of Uncertain Significance.

Ambry Genetics
Classification: Uncertain significance for Inborn genetic diseases. Last evaluated: 2024-06-28. Review status: criteria provided, single submitter. Criteria: Ambry Variant Classification Scheme 2023. Collection method: clinical testing. Allele origin: germline.